The following is an entry in ClinVar:

ClinVar aggregate classification (germline): Conflicting classifications of pathogenicity. Review status: criteria provided, conflicting classifications (1 of 4 stars). 2 submissions from 2 submitters: Likely pathogenic (1); Uncertain significance (1). Last evaluated 2024-01-22.

Conditions:
Hypothyroidism due to TSH receptor mutations. Also called: Hypothyroidism, congenital, nongoitrous, 1; HYPOTHYROIDISM DUE TO UNRESPONSIVENESS TO THYROTROPIN; HYPOTHYROIDISM, CONGENITAL, DUE TO TSH RESISTANCE; HYPOTHYROIDISM, NONAUTOIMMUNE; THYROID-STIMULATING HORMONE, RESISTANCE TO; TSH RESISTANCE. Identifiers: Orphanet 90673, MedGen C3493776, MONDO:0010142, OMIM 275200.

Allele frequency attached by ClinVar (database versions not stated): gnomAD exomes 0.00002; ExAC 0.00003; TOPMed 0.00003; 1000 Genomes Project 0.00020; 1000 Genomes Project 30x 0.00031.
gnomAD v4.1: 28 of 1,614,140 alleles (0.0017%); highest among the groups gnomAD compares: Admixed American, 0.02%; no homozygotes.

Submissions (2):

Blueprint Genetics
Classification: Uncertain significance. Last evaluated: 2024-01-22. Review status: criteria provided, single submitter. Criteria: ACMG Guidelines, 2015. Collection method: clinical testing. Allele origin: germline.

Greenwood Genetic Center Diagnostic Laboratories, Greenwood Genetic Center
Classification: Likely pathogenic for Hypothyroidism due to TSH receptor mutations. Last evaluated: 2023-06-29. Review status: criteria provided, single submitter. Criteria: ACMG Guidelines, 2015. Collection method: clinical testing. Allele origin: germline. Affected: yes.
Comment: PS3, PM2, PP3

NM_000369.5(TSHR):c.1207G>A (p.Asp403Asn)

Genes: TSHR (thyroid stimulating hormone receptor; plus strand), TSHR-AS1 (TSHR antisense RNA 1; minus strand). Cytogenetic location: 14q31.1.
Variant type: single nucleotide variant.
Coding change: c.1207G>A on transcript NM_000369.5 (MANE Select); coding-DNA position 1207, G replaced by A.
Protein change: p.Asp403Asn; replaces aspartic acid 403 with asparagine.
Molecular consequence: missense variant.
Genome position (GRCh38, 1-based): chr14:81,143,265, G>A. VCF-style: chr14-81143265-G-A. GRCh37 (hg19) VCF-style: chr14-81609609-G-A.
Other names: short protein forms D403N.
Identifiers: ClinVar variation 2572312 (VCV002572312.2), dbSNP rs565082329, ClinGen allele CA7294409.